The following is an entry in ClinVar:

ClinVar aggregate classification (germline): Likely benign. Review status: criteria provided, multiple submitters, no conflicts (2 of 4 stars). 4 submissions from 4 submitters: Likely benign (3). 1 of the submissions does not count toward it. Last evaluated 2025-02-19.

Conditions:
Cohen syndrome (COH1). Also called: Cutis verticis gyrata, retinitis pigmentosa, and sensorineural deafness; PEPPER SYNDROME. Identifiers: Orphanet 193, MedGen C0265223, MONDO:0008999, OMIM 216550.
VPS13B-related disorder. Also called: VPS13B-related condition.

Allele frequency attached by ClinVar (database versions not stated): ExAC 0.00002; gnomAD 0.00002; gnomAD exomes 0.00002 and 0.00003; TOPMed 0.00002.
gnomAD v4.1: 26 of 1,614,076 alleles (0.0016%); highest among the groups gnomAD compares: Middle Eastern, 0.066%; no homozygotes.

Submissions (4):

Labcorp Genetics (formerly Invitae), Labcorp
Classification: Likely benign for Cohen syndrome. Last evaluated: 2025-02-19. Review status: criteria provided, single submitter. Criteria: Invitae Variant Classification Sherloc (09022015). Collection method: clinical testing. Allele origin: germline.

PreventionGenetics, part of Exact Sciences
Classification: Likely benign for VPS13B-related condition. Last evaluated: 2024-11-11. Review status: criteria provided, single submitter. Criteria: ACMG Guidelines, 2015. Collection method: clinical testing. Allele origin: germline.
Comment: This variant is classified as likely benign based on ACMG/AMP sequence variant interpretation guidelines (Richards et al. 2015 PMID: 25741868, with internal and published modifications).

CeGaT Center for Human Genetics Tuebingen
Classification: Likely benign. Last evaluated: 2024-05-01. Review status: criteria provided, single submitter. Criteria: CeGaT Center For Human Genetics Tuebingen Variant Classification Criteria Version 2. Collection method: clinical testing. Allele origin: germline. Affected: yes. Observed: 1 variant allele.
Comment: VPS13B: BP4, BP7

Natera, Inc.
Classification: Likely benign for Cohen syndrome. Last evaluated: 2021-08-17. Review status: no assertion criteria provided. Collection method: clinical testing. Allele origin: germline. Not counted in ClinVar's aggregate classification.

NM_152564.5(VPS13B):c.10239G>A (p.Ala3413=)

Gene: VPS13B (vacuolar protein sorting 13 homolog B; plus strand). Cytogenetic location: 8q22.2.
Variant type: single nucleotide variant.
Coding change: c.10239G>A on transcript NM_152564.5 (MANE Select); coding-DNA position 10239, G replaced by A.
Protein change: p.Ala3413=; no amino-acid change (alanine 3413 retained).
Molecular consequence: synonymous variant.
Genome position (GRCh38, 1-based): chr8:99,853,628, G>A. VCF-style: chr8-99853628-G-A. GRCh37 (hg19) VCF-style: chr8-100865856-G-A.
Other names: c.10314G>A, p.Ala3438= (NM_017890.5); c.10239G>A (NM_152564.4).
Identifiers: ClinVar variation 1146876 (VCV001146876.32), dbSNP rs749865979, ClinGen allele CA4824916.